The following is an entry in ClinVar:

ClinVar aggregate classification (germline): Uncertain significance (1 of 4 stars; one submission).

Conditions:
Spastic paraplegia. Identifiers: MedGen C0037772, HP:0001258.

Submission:

Labcorp Genetics (formerly Invitae), Labcorp
Classification: Uncertain significance for Spastic paraplegia. Last evaluated: 2023-02-16. Review status: criteria provided, single submitter. Criteria: Invitae Variant Classification Sherloc (09022015). Collection method: clinical testing. Allele origin: germline.
Comment: In summary, the available evidence is currently insufficient to determine the role of this variant in disease. Therefore, it has been classified as a Variant of Uncertain Significance. This variant has not been reported in the literature in individuals affected with GJC2-related conditions. Advanced modeling of protein sequence and biophysical properties (such as structural, functional, and spatial information, amino acid conservation, physicochemical variation, residue mobility, and thermodynamic stability) has been performed at Invitae for this missense variant, however the output from this modeling did not meet the statistical confidence thresholds required to predict the impact of this variant on GJC2 protein function. This sequence change replaces threonine, which is neutral and polar, with isoleucine, which is neutral and non-polar, at codon 195 of the GJC2 protein (p.Thr195Ile). This variant is not present in population databases (gnomAD no frequency).

NM_020435.4(GJC2):c.584C>T (p.Thr195Ile)

Gene: GJC2 (gap junction protein gamma 2; plus strand). Cytogenetic location: 1q42.13.
Variant type: single nucleotide variant.
Coding change: c.584C>T on transcript NM_020435.4 (MANE Select); coding-DNA position 584, C replaced by T.
Protein change: p.Thr195Ile; replaces threonine 195 with isoleucine.
Molecular consequence: missense variant.
Genome position (GRCh38, 1-based): chr1:228,158,342, C>T. VCF-style: chr1-228158342-C-T. GRCh37 (hg19) VCF-style: chr1-228346043-C-T.
Other names: short protein forms T195I.
Identifiers: ClinVar variation 2904972 (VCV002904972.3), dbSNP rs2527876676, ClinGen allele CA345098678.